The following is an entry in ClinVar:

ClinVar aggregate classification (germline): Pathogenic (1 of 4 stars; one submission).

Conditions:
Neurofibromatosis, type 1 (NF1). Also called: NEUROFIBROMATOSIS, TYPE I, SOMATIC; Peripheral type neurofibromatosis; Neurofibromatosis, type I; VON RECKLINGHAUSEN DISEASE. Identifiers: Orphanet 636, MedGen C0027831, MONDO:0018975, OMIM 162200. Disease mechanism: loss of function.

Submission:

Labcorp Genetics (formerly Invitae), Labcorp
Classification: Pathogenic for Neurofibromatosis, type 1. Last evaluated: 2016-12-16. Review status: criteria provided, single submitter. Criteria: Invitae Variant Classification Sherloc (09022015). Collection method: clinical testing. Allele origin: germline.
Comment: This variant is a gross deletion of the genomic region encompassing exons 1-8 of the NF1 gene, which includes the initiator codon. The 5' end of this event is unknown as it extends beyond the assayed region for this gene and therefore may encompass additional genes. The 3' boundary is likely confined to intron 8 of the NF1 gene. This is expected to result in an absent or disrupted protein product. While this particular deletion has not been reported in the literature, loss-of-function variants, including gross deletions, in NF1 are known to be pathogenic (PMID: 10712197, 23913538). For these reasons, this variant has been classified as Pathogenic.

NC_000017.11:g.(?_31094927)_(31182665_?)del

Genes: MIR4733HG (MIR4733 host gene; minus strand), NF1 (neurofibromin 1; plus strand), LOC108281169 (NF1 intron 1 Alu-mediated recombination region; plus strand), LOC108281170 (NF1 intron 2 Alu-mediated recombination region; plus strand), LOC108281180 (NF1 intron 3 Alu-mediated recombination region; plus strand) and 1 more. Cytogenetic location: 17q11.2.
Variant type: Deletion.
Identifiers: ClinVar variation 417336 (VCV000417336.1).